The following is an entry in ClinVar:

ClinVar aggregate classification (germline): Uncertain significance. Review status: criteria provided, multiple submitters, no conflicts (2 of 4 stars). 3 submissions from 3 submitters: Uncertain significance (3). Last evaluated 2026-04-24.

Conditions:
Hereditary cancer-predisposing syndrome. Also called: Neoplastic Syndromes, Hereditary; Tumor predisposition; Hereditary Cancer Syndrome; Hereditary neoplastic syndrome. Identifiers: Orphanet 140162, MedGen C0027672, MeSH D009386, MONDO:0015356.

Allele frequency attached by ClinVar (database versions not stated): gnomAD exomes below 0.00001.
gnomAD v4.1: 4 of 1,613,346 alleles (0.00025%); highest among the groups gnomAD compares: East Asian, 0.0045%; no homozygotes.

Submissions (3):

Ambry Genetics
Classification: Uncertain significance for Hereditary cancer-predisposing syndrome. Last evaluated: 2026-04-24. Review status: criteria provided, single submitter. Criteria: Ambry Variant Classification Scheme 2023. Collection method: clinical testing. Allele origin: germline.
Comment: The p.N433Y variant (also known as c.1297A>T), located in coding exon 9 of the FH gene, results from an A to T substitution at nucleotide position 1297. The asparagine at codon 433 is replaced by tyrosine, an amino acid with dissimilar properties. This amino acid position is highly conserved in available vertebrate species. In addition, this alteration is predicted to be deleterious by in silico analysis. Based on the available evidence, the clinical significance of this variant remains unclear.

Labcorp Genetics (formerly Invitae), Labcorp
Classification: Uncertain significance. Last evaluated: 2025-04-21. Review status: criteria provided, single submitter. Criteria: Invitae Variant Classification Sherloc (09022015). Collection method: clinical testing. Allele origin: germline.
Comment: This sequence change replaces asparagine, which is neutral and polar, with tyrosine, which is neutral and polar, at codon 433 of the FH protein (p.Asn433Tyr). This variant is not present in population databases (gnomAD no frequency). This variant has not been reported in the literature in individuals affected with FH-related conditions. ClinVar contains an entry for this variant (Variation ID: 1396741). Invitae Evidence Modeling of protein sequence and biophysical properties (such as structural, functional, and spatial information, amino acid conservation, physicochemical variation, residue mobility, and thermodynamic stability) has been performed for this missense variant. However, the output from this modeling did not meet the statistical confidence thresholds required to predict the impact of this variant on FH protein function. In summary, the available evidence is currently insufficient to determine the role of this variant in disease. Therefore, it has been classified as a Variant of Uncertain Significance.

GeneDx
Classification: Uncertain significance. Last evaluated: 2024-02-09. Review status: criteria provided, single submitter. Criteria: GeneDx Variant Classification Process June 2021. Collection method: clinical testing. Allele origin: germline. Affected: yes.
Comment: Not observed at significant frequency in large population cohorts (gnomAD); In silico analysis supports that this missense variant has a deleterious effect on protein structure/function; Has not been previously published as pathogenic or benign to our knowledge

NM_000143.4(FH):c.1297A>T (p.Asn433Tyr)

Gene: FH (fumarate hydratase; minus strand). Cytogenetic location: 1q43.
Variant type: single nucleotide variant.
Coding change: c.1297A>T on transcript NM_000143.4 (MANE Select); coding-DNA position 1297, A replaced by T.
Protein change: p.Asn433Tyr; replaces asparagine 433 with tyrosine.
Molecular consequence: missense variant.
Genome position (GRCh38, 1-based): chr1:241,500,530, T>A on the plus strand (A>T on the coding strand, the complement: FH is on the minus strand). VCF-style: chr1-241500530-T-A. GRCh37 (hg19) VCF-style: chr1-241663830-T-A.
Other names: short protein forms N433Y.
Identifiers: ClinVar variation 1396741 (VCV001396741.9), dbSNP rs200121326, ClinGen allele CA40327542.
Genomic context (GRCh38, chr1:241,500,530, plus strand): 5'-GAGACTCATTCATCAGCTTGTTGATCCTTTCTGTATTGGCCTGGATTCCCACCACGCAGT[T>A]TTCTGTAAAGGAAACTGAAGCATCCCCCAGCAGCCTGGCTGAGTGTAACACATTTTTAAT-3'
Protein context (NP_000134.2, residues 423-443): LGDASVSFTE[Asn433Tyr]CVVGIQANTE